The following is an entry in ClinVar:

NM_018975.4(TERF2IP):c.5C>A (p.Ala2Glu)

Gene: TERF2IP (TERF2 interacting protein; plus strand). Cytogenetic location: 16q23.1.
Variant type: single nucleotide variant.
Coding change: c.5C>A on transcript NM_018975.4 (MANE Select); coding-DNA position 5, C replaced by A.
Protein change: p.Ala2Glu; replaces alanine 2 with glutamic acid.
Molecular consequence: missense variant. On other transcripts: non-coding transcript variant (1).
Genome position (GRCh38, 1-based): chr16:75,647,887, C>A. VCF-style: chr16-75647887-C-A. GRCh37 (hg19) VCF-style: chr16-75681785-C-A.
Other names: short protein forms A2E.
Identifiers: ClinVar variation 4723798 (VCV004723798.1).
Genomic context (GRCh38, chr16:75,647,887, plus strand): 5'-CTGTGTGCCAGGCGCTCGCGAGGGGGTAGCTCTTCTAGTAGTGCTCGGCGTCAGACATGG[C>A]GGAGGCGATGGATTTGGGCAAAGACCCCAACGGGCCCACCCATTCCTCGACTCTGTTCGT-3'
Protein context (NP_061848.2, residues 1-12): M[Ala2Glu]EAMDLGKDPN

ClinVar aggregate classification (germline): Uncertain significance (1 of 4 stars; one submission).

Submission:

Labcorp Genetics (formerly Invitae), Labcorp
Classification: Uncertain significance. Last evaluated: 2025-09-08. Review status: criteria provided, single submitter. Criteria: Invitae Variant Classification Sherloc (09022015). Collection method: clinical testing. Allele origin: germline.
Comment: This sequence change replaces alanine, which is neutral and non-polar, with glutamic acid, which is acidic and polar, at codon 2 of the TERF2IP protein (p.Ala2Glu). This variant is not present in population databases (gnomAD no frequency). This variant has not been reported in the literature in individuals affected with TERF2IP-related conditions. An algorithm developed to predict the effect of missense changes on protein structure and function (PolyPhen-2) suggests that this variant is likely to be disruptive. In summary, the available evidence is currently insufficient to determine the role of this variant in disease. Therefore, it has been classified as a Variant of Uncertain Significance.